The following is an entry in ClinVar:

NM_203446.3(SYNJ1):c.3572A>T (p.Tyr1191Phe)

Gene: SYNJ1 (synaptojanin 1; minus strand). Cytogenetic location: 21q22.11.
Variant type: single nucleotide variant.
Coding change: c.3572A>T on transcript NM_203446.3 (MANE Select); coding-DNA position 3572, A replaced by T.
Protein change: p.Tyr1191Phe; replaces tyrosine 1191 with phenylalanine.
Molecular consequence: missense variant.
Genome position (GRCh38, 1-based): chr21:32,641,912, T>A on the plus strand (A>T on the coding strand, the complement: SYNJ1 is on the minus strand). VCF-style: chr21-32641912-T-A. GRCh37 (hg19) VCF-style: chr21-34014222-T-A.
Other names: c.3524A>T, p.Tyr1175Phe (NM_001160302.2); c.3431A>T, p.Tyr1144Phe (NM_001160306.2); c.3689A>T, p.Tyr1230Phe (NM_003895.4); short protein forms Y1144F, Y1230F, Y1175F, Y1191F.
Identifiers: ClinVar variation 1427274 (VCV001427274.8), dbSNP rs923063240, ClinGen allele CA319422103.

ClinVar aggregate classification (germline): Uncertain significance (1 of 4 stars; one submission).

Conditions:
Developmental and epileptic encephalopathy, 53. Also called: Epileptic encephalopathy, early infantile, 53. Identifiers: MedGen C4479313, MONDO:0033362, OMIM 617389.
Early-onset Parkinson disease 20. Also called: PARKINSON DISEASE 20, AUTOSOMAL RECESSIVE EARLY-ONSET. Identifiers: Orphanet 391411, MedGen C3809824, MONDO:0014233, OMIM 615530.

Submission:

Labcorp Genetics (formerly Invitae), Labcorp
Classification: Uncertain significance for Developmental and epileptic encephalopathy, 53; Early-onset Parkinson disease 20. Last evaluated: 2021-05-12. Review status: criteria provided, single submitter. Criteria: Invitae Variant Classification Sherloc (09022015). Collection method: clinical testing. Allele origin: germline.
Comment: This sequence change replaces tyrosine with phenylalanine at codon 1230 of the SYNJ1 protein (p.Tyr1230Phe). The tyrosine residue is moderately conserved and there is a small physicochemical difference between tyrosine and phenylalanine. This variant has not been reported in the literature in individuals with SYNJ1-related conditions. This variant is not present in population databases (ExAC no frequency). In summary, the available evidence is currently insufficient to determine the role of this variant in disease. Therefore, it has been classified as a Variant of Uncertain Significance. Algorithms developed to predict the effect of missense changes on protein structure and function (SIFT, PolyPhen-2, Align-GVGD) all suggest that this variant is likely to be tolerated, but these predictions have not been confirmed by published functional studies and their clinical significance is uncertain.